The following is an entry in ClinVar:

NM_005592.4(MUSK):c.1925T>C (p.Leu642Ser)

Gene: MUSK (muscle associated receptor tyrosine kinase; plus strand). Cytogenetic location: 9q31.3.
Variant type: single nucleotide variant.
Coding change: c.1925T>C on transcript NM_005592.4 (MANE Select); coding-DNA position 1925, T replaced by C.
Protein change: p.Leu642Ser; replaces leucine 642 with serine.
Molecular consequence: missense variant.
Genome position (GRCh38, 1-based): chr9:110,787,836, T>C. VCF-style: chr9-110787836-T-C. GRCh37 (hg19) VCF-style: chr9-113550116-T-C.
Other names: c.1667T>C, p.Leu556Ser (NM_001166280.2); c.1637T>C, p.Leu546Ser (NM_001166281.2); c.665T>C, p.Leu222Ser (NM_001369398.1); c.1925T>C (NM_005592.3); short protein forms L222S, L556S, L642S, L546S.
Identifiers: ClinVar variation 1347440 (VCV001347440.8), dbSNP rs751851038, ClinGen allele CA5184502.

ClinVar aggregate classification (germline): Uncertain significance. Review status: criteria provided, multiple submitters, no conflicts (2 of 4 stars). 3 submissions from 3 submitters: Uncertain significance (3). Last evaluated 2023-03-03.

Conditions:
MUSK-related disorder. Also called: MUSK-related disorders; MUSK-related condition.
Inborn genetic diseases. Identifiers: MedGen C0950123, MeSH D030342.
Fetal akinesia deformation sequence 1 (FADS1). Also called: Pena-Shokeir syndrome type I; Fetal akinesia sequence. Identifiers: Orphanet 994, MedGen C1276035, MONDO:0100101, OMIM 208150, HP:0001989.
Congenital myasthenic syndrome 9. Also called: Myasthenic syndrome, congenital, 9, associated with acetylcholine receptor deficiency. Identifiers: Orphanet 590, MedGen C4225368, MONDO:0014587, OMIM 616325.

Allele frequency attached by ClinVar (database versions not stated): gnomAD exomes below 0.00001 and 0.00001; TOPMed below 0.00001; gnomAD 0.00001.
gnomAD v4.1: 12 of 1,610,020 alleles (0.00075%); highest among the groups gnomAD compares: African/African-American, 0.0013%; no homozygotes.

Submissions (3):

PreventionGenetics, part of Exact Sciences
Classification: Uncertain significance for MUSK-related condition. Last evaluated: 2023-03-03. Review status: criteria provided, single submitter. Criteria: ACMG Guidelines, 2015. Collection method: clinical testing. Allele origin: germline.
Comment: The MUSK c.1925T>C variant is predicted to result in the amino acid substitution p.Leu642Ser. To our knowledge, this variant has not been reported in the literature. This variant is reported in 1 of ~2412,000 alleles in gnomAD. At this time, the clinical significance of this variant is uncertain due to the absence of conclusive functional and genetic evidence.

Ambry Genetics
Classification: Uncertain significance for Inborn genetic diseases. Last evaluated: 2023-01-10. Review status: criteria provided, single submitter. Criteria: Ambry Variant Classification Scheme 2023. Collection method: clinical testing. Allele origin: germline.

Labcorp Genetics (formerly Invitae), Labcorp
Classification: Uncertain significance for Congenital myasthenic syndrome 9; Fetal akinesia deformation sequence 1. Last evaluated: 2022-09-09. Review status: criteria provided, single submitter. Criteria: Invitae Variant Classification Sherloc (09022015). Collection method: clinical testing. Allele origin: germline.
Comment: In summary, the available evidence is currently insufficient to determine the role of this variant in disease. Therefore, it has been classified as a Variant of Uncertain Significance. Algorithms developed to predict the effect of missense changes on protein structure and function (SIFT, PolyPhen-2, Align-GVGD) all suggest that this variant is likely to be disruptive. ClinVar contains an entry for this variant (Variation ID: 1347440). This variant has not been reported in the literature in individuals affected with MUSK-related conditions. This variant is present in population databases (rs751851038, gnomAD 0.0009%). This sequence change replaces leucine, which is neutral and non-polar, with serine, which is neutral and polar, at codon 642 of the MUSK protein (p.Leu642Ser).